The following is an entry in ClinVar:

ClinVar aggregate classification (germline): Uncertain significance (1 of 4 stars; one submission).

Conditions:
Spinocerebellar ataxia 45. Identifiers: Orphanet 589527, MedGen C4540400, MONDO:0033480, OMIM 617769.

Submission:

Center for Human Genetics and Genomic Medicine, Uniklinik Rwth Aachen
Classification: Uncertain significance for Spinocerebellar ataxia 45. Last evaluated: 2021-07-12. Review status: criteria provided, single submitter. Criteria: ACMG Guidelines, 2015. Collection method: clinical testing. Allele origin: germline. Inheritance: Autosomal dominant inheritance. Affected: yes. Observed: 1 variant allele, 1 heterozygote.
Comment: The variant c.9896C>T, p.(Ser3299Phe) is absent from databases and has not been reported in the literature. Segregation analyses could not be performed. We have classified the variant as a "variant of uncertain significance".

NM_001447.3(FAT2):c.9896C>T (p.Ser3299Phe)

Genes: FAT2 (FAT atypical cadherin 2; minus strand), SLC36A1 (solute carrier family 36 member 1; plus strand). Cytogenetic location: 5q33.1.
Variant type: single nucleotide variant.
Coding change: c.9896C>T on transcript NM_001447.3 (MANE Select); coding-DNA position 9896, C replaced by T.
Protein change: p.Ser3299Phe; replaces serine 3299 with phenylalanine.
Molecular consequence: missense variant.
Genome position (GRCh38, 1-based): chr5:151,529,308, G>A on the plus strand (C>T on the coding strand, the complement: FAT2 is on the minus strand). VCF-style: chr5-151529308-G-A. GRCh37 (hg19) VCF-style: chr5-150908869-G-A.
Other names: short protein forms S3299F.
Identifiers: ClinVar variation 1180502 (VCV001180502.3), dbSNP rs2127588750, ClinGen allele CA361826640.